The following is an entry in ClinVar:

NM_000210.4(ITGA6):c.1684_1685del (p.Cys562fs)

Genes: ITGA6 (integrin subunit alpha 6; plus strand), PDK1-AS1 (PDK1 and ITGA6 antisense RNA 1; minus strand). Cytogenetic location: 2q31.1.
Variant type: Microsatellite.
Coding change: c.1684_1685del on transcript NM_000210.4 (MANE Select); coding-DNA positions 1684 to 1685, 2 bases deleted (TG; older notation c.1684_1685delTG).
Protein change: p.Cys562fs; shifts the reading frame from cysteine 562.
Molecular consequence: frameshift variant.
Genome position (GRCh38, 1-based): chr2:172,484,916-172,484,917, TG deleted; deleting any 2 consecutive bases within chr2:172,484,913-172,484,917 gives the same sequence; the c. name uses the placement nearest the transcript's 3' end. VCF-style (leftmost placement, unchanged base first): chr2-172484912-AGT-A. GRCh37 (hg19) VCF-style: chr2-173349640-AGT-A.
Other names: c.1684_1685del, p.Cys562fs (NM_001079818.3, NM_001365529.2, NM_001365530.2); c.1327_1328del, p.Cys443fs (NM_001316306.2); c.1801_1802del, p.Cys601fs (NM_001394928.1); short protein forms C443fs, C562fs, C601fs.
Identifiers: ClinVar variation 2759876 (VCV002759876.3), dbSNP rs2468360413, ClinGen allele CA2697551366.

ClinVar aggregate classification (germline): Pathogenic (1 of 4 stars; one submission).

Submission:

Labcorp Genetics (formerly Invitae), Labcorp
Classification: Pathogenic. Last evaluated: 2023-09-10. Review status: criteria provided, single submitter. Criteria: Invitae Variant Classification Sherloc (09022015). Collection method: clinical testing. Allele origin: germline.
Comment: For these reasons, this variant has been classified as Pathogenic. This variant has not been reported in the literature in individuals affected with ITGA6-related conditions. This variant is not present in population databases (gnomAD no frequency). This sequence change creates a premature translational stop signal (p.Cys562Hisfs*10) in the ITGA6 gene. It is expected to result in an absent or disrupted protein product. Loss-of-function variants in ITGA6 are known to be pathogenic (PMID: 9158140, 9185503, 9804362, 27607025).

Literature cited by the submitters: PubMed 9158140; PubMed 9185503; PubMed 9804362; PubMed 27607025.